The following is an entry in ClinVar:

ClinVar aggregate classification (germline): Pathogenic. Review status: criteria provided, single submitter (1 of 4 stars). 2 submissions from 2 submitters: Pathogenic (1). 1 of the submissions does not count toward it. Last evaluated 2025-11-15.

Conditions:
Spermatogenic failure 18. Identifiers: MedGen C4539783, MONDO:0054615, OMIM 617576.
Ciliary dyskinesia, primary, 37 (CILD37). Also called: CILIARY DYSKINESIA, PRIMARY, 37, WITH OR WITHOUT SITUS INVERSUS. Identifiers: MedGen C4539798, MONDO:0033204, OMIM 617577.

Allele frequency attached by ClinVar (database versions not stated): gnomAD 0.00004 and 0.00003; ExAC 0.00003; TOPMed 0.00003.
gnomAD v4.1: 22 of 1,500,372 alleles (0.0015%); highest among the groups gnomAD compares: African/African-American, 0.0057%; no homozygotes.

Submissions (2):

Labcorp Genetics (formerly Invitae), Labcorp
Classification: Pathogenic for Ciliary dyskinesia, primary, 37; Spermatogenic failure 18. Last evaluated: 2025-11-15. Review status: criteria provided, single submitter. Criteria: Invitae Variant Classification Sherloc (09022015). Collection method: clinical testing. Allele origin: germline.
Comment: This sequence change creates a premature translational stop signal (p.Arg3204*) in the DNAH1 gene. It is expected to result in an absent or disrupted protein product. Loss-of-function variants in DNAH1 are known to be pathogenic (PMID: 27573432, 27798045). The frequency data for this variant in the population databases is considered unreliable, as metrics indicate poor data quality at this position in the gnomAD database. This variant has not been reported in the literature in individuals affected with DNAH1-related conditions. ClinVar contains an entry for this variant (Variation ID: 645523). Algorithms developed to predict the effect of sequence changes on RNA splicing suggest that this variant may disrupt the consensus splice site. For these reasons, this variant has been classified as Pathogenic.

Diagnostic Laboratory, Strasbourg University Hospital
Classification: Pathogenic for Spermatogenic failure 18. Last evaluated: 2021-02-09. Review status: no assertion criteria provided. Collection method: clinical testing. Allele origin: inherited. Inheritance: Autosomal recessive inheritance. Affected: yes. Observed: 1 variant allele, 1 compound heterozygote. Not counted in ClinVar's aggregate classification.

Literature cited by the submitters: PubMed 27573432 (cited by Labcorp Genetics (formerly Invitae), Labcorp); PubMed 27798045 (cited by Labcorp Genetics (formerly Invitae), Labcorp).

NM_015512.5(DNAH1):c.9610C>T (p.Arg3204Ter)

Gene: DNAH1 (dynein axonemal heavy chain 1; plus strand). Cytogenetic location: 3p21.1.
Variant type: single nucleotide variant.
Coding change: c.9610C>T on transcript NM_015512.5 (MANE Select); coding-DNA position 9610, C replaced by T.
Protein change: p.Arg3204Ter; replaces arginine 3204 with a stop codon.
Molecular consequence: nonsense.
Genome position (GRCh38, 1-based): chr3:52,389,575, C>T. VCF-style: chr3-52389575-C-T. GRCh37 (hg19) VCF-style: chr3-52423591-C-T.
Other names: short protein forms R3204*.
Identifiers: ClinVar variation 645523 (VCV000645523.9), dbSNP rs759727960, ClinGen allele CA2435576.